The following is an entry in ClinVar:

NM_000435.3(NOTCH3):c.2188A>C (p.Ser730Arg)

Gene: NOTCH3 (notch receptor 3; minus strand). Cytogenetic location: 19p13.12.
Variant type: single nucleotide variant.
Coding change: c.2188A>C on transcript NM_000435.3 (MANE Select); coding-DNA position 2188, A replaced by C.
Protein change: p.Ser730Arg; replaces serine 730 with arginine.
Molecular consequence: missense variant.
Genome position (GRCh38, 1-based): chr19:15,185,365, T>G on the plus strand (A>C on the coding strand, the complement: NOTCH3 is on the minus strand). VCF-style: chr19-15185365-T-G. GRCh37 (hg19) VCF-style: chr19-15296176-T-G.
Other names: short protein forms S730R.
Identifiers: ClinVar variation 1709853 (VCV001709853.2), dbSNP rs2046872644, ClinGen allele CA404521863.

ClinVar aggregate classification (germline): Uncertain significance (1 of 4 stars; one submission).

Conditions:
Cerebral arteriopathy, autosomal dominant, with subcortical infarcts and leukoencephalopathy, type 1 (CADASIL1). Also called: DEMENTIA, HEREDITARY MULTIINFARCT TYPE; CADASIL 1; CASIL; Cerebral arteriopathy with subcortical infarcts and leukoencephalopathy 1. Identifiers: Orphanet 136, MedGen C4551768, MONDO:0000914, OMIM 125310.

Allele frequency attached by ClinVar (database versions not stated): gnomAD exomes below 0.00001.
gnomAD v4.1: 1 of 1,612,312 alleles (0.000062%); highest among the groups gnomAD compares: Non-Finnish European, 0.000085%; no homozygotes.

Submission:

MGZ Medical Genetics Center
Classification: Uncertain significance for Cerebral arteriopathy, autosomal dominant, with subcortical infarcts and leukoencephalopathy, type 1. Last evaluated: 2021-07-23. Review status: criteria provided, single submitter. Criteria: ACMG Guidelines, 2015. Collection method: clinical testing. Allele origin: germline. Affected: yes. Observed: 1 variant allele.
Comment: ACMG criteria applied: PM2_SUP, BP4